The following is an entry in ClinVar:

ClinVar aggregate classification (germline): Uncertain significance (1 of 4 stars; one submission).

Submission:

Ambry Genetics
Classification: Uncertain significance. Last evaluated: 2022-03-16. Review status: criteria provided, single submitter. Criteria: Ambry Variant Classification Scheme 2023. Collection method: clinical testing. Allele origin: germline.
Comment: The p.T1054N variant (also known as c.3161C>A), located in coding exon 17 of the PALLD gene, results from a C to A substitution at nucleotide position 3161. The threonine at codon 1054 is replaced by asparagine, an amino acid with similar properties. This amino acid position is conserved. In addition, this alteration is predicted to be tolerated by in silico analysis. Since supporting evidence is limited at this time, the clinical significance of this alteration remains unclear.

NM_001166108.2(PALLD):c.3212C>A (p.Thr1071Asn)

Genes: CBR4 (carbonyl reductase 4; minus strand), PALLD (palladin, cytoskeletal associated protein; plus strand). Cytogenetic location: 4q32.3.
Variant type: single nucleotide variant.
Coding change: c.3212C>A on transcript NM_001166108.2 (MANE Select); coding-DNA position 3212, C replaced by A.
Protein change: p.Thr1071Asn; replaces threonine 1071 with asparagine.
Molecular consequence: missense variant.
Genome position (GRCh38, 1-based): chr4:168,924,408, C>A. VCF-style: chr4-168924408-C-A. GRCh37 (hg19) VCF-style: chr4-169845559-C-A.
Other names: c.2015C>A, p.Thr672Asn (NM_001166109.2); c.1700C>A, p.Thr567Asn (NM_001166110.2); c.1040C>A, p.Thr347Asn (NM_001367567.1, NM_001367569.1); c.1091C>A, p.Thr364Asn (NM_001367568.1, NM_001367570.1); c.3161C>A, p.Thr1054Asn (NM_016081.4); short protein forms T1054N, T347N, T1071N, T364N, T567N, T672N.
Identifiers: ClinVar variation 1728312 (VCV001728312.2), dbSNP rs774033076, ClinGen allele CA358713040.